The following is an entry in ClinVar:

ClinVar aggregate classification (germline): Uncertain significance. Review status: criteria provided, multiple submitters, no conflicts (2 of 4 stars). 2 submissions from 2 submitters: Uncertain significance (2). Last evaluated 2025-10-26.

Allele frequency attached by ClinVar (database versions not stated): gnomAD exomes 0.00002; ExAC 0.00004; ESP Exome Variant Server 0.00008; gnomAD 0.00015; TOPMed 0.00026.
gnomAD v4.1: 58 of 1,614,092 alleles (0.0036%); highest among the groups gnomAD compares: African/African-American, 0.04%; no homozygotes.

Submissions (2):

Labcorp Genetics (formerly Invitae), Labcorp
Classification: Uncertain significance. Last evaluated: 2025-10-26. Review status: criteria provided, single submitter. Criteria: Invitae Variant Classification Sherloc (09022015). Collection method: clinical testing. Allele origin: germline.
Comment: This sequence change replaces glutamic acid, which is acidic and polar, with lysine, which is basic and polar, at codon 625 of the FBN3 protein (p.Glu625Lys). This variant is present in population databases (rs138440561, gnomAD 0.04%). This variant has not been reported in the literature in individuals affected with FBN3-related conditions. ClinVar contains an entry for this variant (Variation ID: 2372026). An algorithm developed to predict the effect of missense changes on protein structure and function outputs the following: PolyPhen-2: "Benign". The lysine amino acid residue is found in multiple mammalian species, which suggests that this missense change does not adversely affect protein function. In summary, the available evidence is currently insufficient to determine the role of this variant in disease. Therefore, it has been classified as a Variant of Uncertain Significance.

Ambry Genetics
Classification: Uncertain significance. Last evaluated: 2021-08-30. Review status: criteria provided, single submitter. Criteria: Ambry Variant Classification Scheme 2023. Collection method: clinical testing. Allele origin: germline.

NM_032447.5(FBN3):c.1873G>A (p.Glu625Lys)

Gene: FBN3 (fibrillin 3; minus strand). Cytogenetic location: 19p13.2.
Variant type: single nucleotide variant.
Coding change: c.1873G>A on transcript NM_032447.5 (MANE Select); coding-DNA position 1873, G replaced by A.
Protein change: p.Glu625Lys; replaces glutamic acid 625 with lysine.
Molecular consequence: missense variant.
Genome position (GRCh38, 1-based): chr19:8,131,671, C>T on the plus strand (G>A on the coding strand, the complement: FBN3 is on the minus strand). VCF-style: chr19-8131671-C-T. GRCh37 (hg19) VCF-style: chr19-8196555-C-T.
Other names: c.1873G>A, p.Glu625Lys (NM_001321431.2); short protein forms E625K.
Identifiers: ClinVar variation 2372026 (VCV002372026.3), dbSNP rs138440561, ClinGen allele CA9153124.